The following is an entry in ClinVar:

ClinVar aggregate classification (germline): Conflicting classifications of pathogenicity. Review status: criteria provided, conflicting classifications (1 of 4 stars). 3 submissions from 3 submitters: Uncertain significance (1); Benign (1). 1 of the submissions does not count toward it. Last evaluated 2023-06-22.

Conditions:
Inborn genetic diseases. Identifiers: MedGen C0950123, MeSH D030342.
ZIC3-related disorder. Also called: ZIC3-related condition; ZIC3-Related Disorders.
Heterotaxy, visceral, 1, X-linked (HTX1). Also called: DEXTROCARDIA WITH OTHER CARDIAC MALFORMATIONS; SITUS INVERSUS, COMPLEX CARDIAC DEFECTS, AND SPLENIC DEFECTS, X-LINKED; Laterality, X-linked; Visceral heterotaxia. Identifiers: Orphanet 450, MedGen C1844020, MONDO:0010607, OMIM 306955.

Allele frequency attached by ClinVar (database versions not stated): TOPMed 0.00002; gnomAD 0.00003 and 0.00005; gnomAD exomes 0.00013 and 0.00017; ExAC 0.00014.
gnomAD v4.1: 148 of 1,209,503 alleles (0.012%); highest among the groups gnomAD compares: South Asian, 0.19%; no homozygotes.

Submissions (3):

Ambry Genetics
Classification: Uncertain significance for Inborn genetic diseases. Last evaluated: 2023-06-22. Review status: criteria provided, single submitter. Criteria: Ambry Variant Classification Scheme 2023. Collection method: clinical testing. Allele origin: germline.

Labcorp Genetics (formerly Invitae), Labcorp
Classification: Benign for Heterotaxy, visceral, 1, X-linked. Last evaluated: 2020-04-11. Review status: criteria provided, single submitter. Criteria: Invitae Variant Classification Sherloc (09022015). Collection method: clinical testing. Allele origin: germline.

PreventionGenetics, part of Exact Sciences
Classification: Likely benign for ZIC3-related condition. Last evaluated: 2023-04-06. Review status: no assertion criteria provided. Collection method: clinical testing. Allele origin: germline. Not counted in ClinVar's aggregate classification.
Comment: This variant is classified as likely benign based on ACMG/AMP sequence variant interpretation guidelines (Richards et al. 2015 PMID: 25741868, with internal and published modifications).

NM_003413.4(ZIC3):c.1248T>G (p.Asp416Glu)

Gene: ZIC3 (Zic family zinc finger 3; plus strand). Cytogenetic location: Xq26.3.
Variant type: single nucleotide variant.
Coding change: c.1248T>G on transcript NM_003413.4 (MANE Select); coding-DNA position 1248, T replaced by G.
Protein change: p.Asp416Glu; replaces aspartic acid 416 with glutamic acid.
Molecular consequence: missense variant. On other transcripts: intron variant (1).
Genome position (GRCh38, 1-based): chrX:137,569,914, T>G. VCF-style: chrX-137569914-T-G. GRCh37 (hg19) VCF-style: chrX-136652073-T-G.
Other names: c.1224+849T>G (NM_001330661.1); short protein forms D416E.
Identifiers: ClinVar variation 533553 (VCV000533553.12), dbSNP rs755343529, ClinGen allele CA10529392.